The following is an entry in ClinVar:

NM_004304.5(ALK):c.32C>T (p.Pro11Leu)

Gene: ALK (ALK receptor tyrosine kinase; minus strand). Cytogenetic location: 2p23.1.
Variant type: single nucleotide variant.
Coding change: c.32C>T on transcript NM_004304.5 (MANE Select); coding-DNA position 32, C replaced by T.
Protein change: p.Pro11Leu; replaces proline 11 with leucine.
Molecular consequence: missense variant.
Genome position (GRCh38, 1-based): chr2:29,920,628, G>A on the plus strand (C>T on the coding strand, the complement: ALK is on the minus strand). VCF-style: chr2-29920628-G-A. GRCh37 (hg19) VCF-style: chr2-30143494-G-A.
Other names: short protein forms P11L.
Identifiers: ClinVar variation 335718 (VCV000335718.65), dbSNP rs767822322, ClinGen allele CA1595067.

ClinVar aggregate classification (germline): Conflicting classifications of pathogenicity. Review status: criteria provided, conflicting classifications (1 of 4 stars). 9 submissions from 9 submitters: Uncertain significance (6); Likely benign (3). Last evaluated 2026-02-11.

Conditions:
Neuroblastoma, susceptibility to, 3. Also called: ALK-Related Neuroblastic Tumor Susceptibility. Identifiers: Orphanet 635, MedGen C2751681, MONDO:0013083, OMIM 613014.
Hereditary cancer-predisposing syndrome. Also called: Tumor predisposition; Hereditary Cancer Syndrome; Neoplastic Syndromes, Hereditary; Hereditary neoplastic syndrome. Identifiers: Orphanet 140162, MedGen C0027672, MeSH D009386, MONDO:0015356.

Allele frequency attached by ClinVar (database versions not stated): TOPMed 0.00003; gnomAD 0.00004; ExAC 0.00005; gnomAD exomes 0.00005.
gnomAD v4.1: 108 of 1,544,470 alleles (0.007%); highest among the groups gnomAD compares: Non-Finnish European, 0.0087%; no homozygotes.

Submissions (9):

St. Jude Molecular Pathology, St. Jude Children's Research Hospital
Classification: Uncertain significance for Neuroblastoma, susceptibility to, 3. Last evaluated: 2026-02-11. Review status: criteria provided, single submitter. Criteria: St. Jude Assertion Criteria 2020. Collection method: clinical testing. Allele origin: germline.
Comment: The ALK c.32C>T p.(Pro11Leu) missense change has a maximum subpopulation frequency of 0.01% in gnomAD v2.1.1. The in silico tool REVEL predicts a benign effect on protein function, but to our knowledge this prediction has not been confirmed by functional studies. To our knowledge, this variant has not been reported in individuals with ALK-related neuroblastic tumor susceptibility. In summary, the evidence currently available is insufficient to determine the clinical significance of this variant. It has therefore been classified as of uncertain significance.

Labcorp Genetics (formerly Invitae), Labcorp
Classification: Uncertain significance for Neuroblastoma, susceptibility to, 3. Last evaluated: 2025-12-23. Review status: criteria provided, single submitter. Criteria: Invitae Variant Classification Sherloc (09022015). Collection method: clinical testing. Allele origin: germline.
Comment: This sequence change replaces proline, which is neutral and non-polar, with leucine, which is neutral and non-polar, at codon 11 of the ALK protein (p.Pro11Leu). This variant is present in population databases (rs767822322, gnomAD 0.01%). This variant has not been reported in the literature in individuals affected with ALK-related conditions. ClinVar contains an entry for this variant (Variation ID: 335718). An algorithm developed to predict the effect of missense changes on protein structure and function outputs the following: PolyPhen-2: "Benign". The leucine amino acid residue is found in multiple mammalian species, which suggests that this missense change does not adversely affect protein function. In summary, the available evidence is currently insufficient to determine the role of this variant in disease. Therefore, it has been classified as a Variant of Uncertain Significance.

Dasa
Classification: Uncertain significance. Last evaluated: 2025-11-06. Review status: criteria provided, single submitter. Criteria: DASA Assertion Criteria. Collection method: clinical testing. Allele origin: germline.
Comment: NM_004304.5(ALK):c.32C>T (p.Pro11Leu) is a missense variant that results in the substitution of proline with leucine. This variant is rare in population databases. Computational prediction algorithms are consistent with a benign effect. The currently available literature and clinical evidence are not sufficient to establish a definitive association between this variant and the reported condition. Therefore, this variant is classified as a variant of uncertain significance.

GeneDx
Classification: Uncertain significance. Last evaluated: 2025-07-28. Review status: criteria provided, single submitter. Criteria: GeneDx Variant Classification Process June 2021. Collection method: clinical testing. Allele origin: germline.
Comment: In silico analysis suggests that this missense variant does not alter protein structure/function; Has not been previously published as pathogenic or benign to our knowledge

CeGaT Center for Human Genetics Tuebingen
Classification: Likely benign. Last evaluated: 2023-08-01. Review status: criteria provided, single submitter. Criteria: CeGaT Center For Human Genetics Tuebingen Variant Classification Criteria Version 2. Collection method: clinical testing. Allele origin: germline. Affected: yes. Observed: 3 variant alleles.
Comment: ALK: BP4

Revvity Omics, Revvity
Classification: Uncertain significance. Last evaluated: 2023-04-27. Review status: criteria provided, single submitter. Criteria: ACMG Guidelines, 2015. Collection method: clinical testing. Allele origin: germline.

Ambry Genetics
Classification: Likely benign for Hereditary cancer-predisposing syndrome. Last evaluated: 2022-03-03. Review status: criteria provided, single submitter. Criteria: Ambry Variant Classification Scheme 2023. Collection method: clinical testing. Allele origin: germline.

Sema4
Classification: Likely benign for Hereditary cancer-predisposing syndrome. Last evaluated: 2021-09-30. Review status: criteria provided, single submitter. Criteria: Sema4 Curation Guidelines. Collection method: curation. Allele origin: germline.

Illumina Laboratory Services, Illumina
Classification: Uncertain significance for Neuroblastoma, susceptibility to, 3. Last evaluated: 2018-01-13. Review status: criteria provided, single submitter. Criteria: ICSL Variant Classification Criteria 13 December 2019. Collection method: clinical testing. Allele origin: germline.